The following is an entry in ClinVar:

NM_000284.4(PDHA1):c.899+12G>A

Gene: PDHA1 (pyruvate dehydrogenase E1 subunit alpha 1; plus strand). Cytogenetic location: Xp22.12.
Variant type: single nucleotide variant.
Coding change: c.899+12G>A on transcript NM_000284.4 (MANE Select); 12 bases into the intron after coding-DNA position 899, G replaced by A.
Molecular consequence: intron variant.
Genome position (GRCh38, 1-based): chrX:19,357,731, G>A. VCF-style: chrX-19357731-G-A. GRCh37 (hg19) VCF-style: chrX-19375849-G-A.
Other names: c.1013+12G>A (NM_001173454.2); c.920+12G>A (NM_001173455.2); c.806+12G>A (NM_001173456.2).
Identifiers: ClinVar variation 138647 (VCV000138647.9), dbSNP rs376730441, ClinGen allele CA292722.
Genomic context (GRCh38, chrX:19,357,731, plus strand): 5'-TGCAGACTTACCGTTACCACGGACACAGTATGAGTGACCCTGGAGTCAGGTACGCTCATG[G>A]GCAGTGTGGTTTCCATAGGGGTGGGCTTTGAATGGTGTTACATGGCAAAAGCAACACATT-3'

ClinVar aggregate classification (germline): Benign/Likely benign. Review status: criteria provided, multiple submitters, no conflicts (2 of 4 stars). 3 submissions from 3 submitters: Benign (2); Likely benign (1). Last evaluated 2025-12-12.

Conditions:
Pyruvate dehydrogenase E1-alpha deficiency (PDHAD). Also called: Ataxia, intermittent, with pyruvate dehydrogenase, or decarboxylase, deficiency; ATAXIA, INTERMITTENT, WITH PYRUVATE DEHYDROGENASE DEFICIENCY; ATAXIA WITH LACTIC ACIDOSIS I; ATAXIA, INTERMITTENT, WITH ABNORMAL PYRUVATE METABOLISM. Identifiers: Orphanet 79243, MedGen C1839413, MONDO:0010717, OMIM 312170.

Allele frequency attached by ClinVar (database versions not stated): ExAC 0.00025; gnomAD exomes 0.00025 and 0.00037; ESP Exome Variant Server 0.00028; TOPMed 0.00031; gnomAD 0.00036.

Submissions (3):

Labcorp Genetics (formerly Invitae), Labcorp
Classification: Benign for Pyruvate dehydrogenase E1-alpha deficiency. Last evaluated: 2025-12-12. Review status: criteria provided, single submitter. Criteria: Invitae Variant Classification Sherloc (09022015). Collection method: clinical testing. Allele origin: germline.

Blueprint Genetics
Classification: Likely benign. Last evaluated: 2024-11-26. Review status: criteria provided, single submitter. Criteria: ACMG Guidelines, 2015. Collection method: clinical testing. Allele origin: germline.

GeneDx
Classification: Benign. Last evaluated: 2013-01-08. Review status: criteria provided, single submitter. Criteria: GeneDx Variant Classification (06012015). Collection method: clinical testing. Allele origin: germline. Affected: yes.
Comment: This variant is considered likely benign or benign based on one or more of the following criteria: it is a conservative change, it occurs at a poorly conserved position in the protein, it is predicted to be benign by multiple in silico algorithms, and/or has population frequency not consistent with disease.